The following is an entry in ClinVar:

ClinVar aggregate classification (germline): Uncertain significance (1 of 4 stars; one submission).

gnomAD v4.1: 40 of 1,610,970 alleles (0.0025%); highest among the groups gnomAD compares: East Asian, 0.087%; no homozygotes.

Submission:

Ambry Genetics
Classification: Uncertain significance. Last evaluated: 2025-01-02. Review status: criteria provided, single submitter. Criteria: Ambry Variant Classification Scheme 2023. Collection method: clinical testing. Allele origin: germline.
Comment: The p.P1984L variant (also known as c.5951C>T), located in coding exon 24 of the WNK2 gene, results from a C to T substitution at nucleotide position 5951. The proline at codon 1984 is replaced by leucine, an amino acid with similar properties. This amino acid position is conserved. In addition, this alteration is predicted to be tolerated by in silico analysis. Based on the available evidence, the clinical significance of this variant remains unclear.

NM_006648.4(WNK2):c.5951C>T (p.Pro1984Leu)

Gene: WNK2 (WNK lysine deficient protein kinase 2; plus strand). Cytogenetic location: 9q22.31.
Variant type: single nucleotide variant.
Coding change: c.5951C>T on transcript NM_006648.4 (MANE Select); coding-DNA position 5951, C replaced by T.
Protein change: p.Pro1984Leu; replaces proline 1984 with leucine.
Molecular consequence: missense variant.
Genome position (GRCh38, 1-based): chr9:93,299,097, C>T. VCF-style: chr9-93299097-C-T. GRCh37 (hg19) VCF-style: chr9-96061379-C-T.
Other names: c.6062C>T, p.Pro2021Leu (NM_001282394.3); short protein forms P2021L, P1984L.
Identifiers: ClinVar variation 3816696 (VCV003816696.1).